The following is an entry in ClinVar:

ClinVar aggregate classification (germline): Likely benign. Review status: criteria provided, multiple submitters, no conflicts (2 of 4 stars). 2 submissions from 2 submitters: Likely benign (2). Last evaluated 2024-07-29.

Conditions:
RYR1-related disorder. Also called: RYR1-related condition; RYR1-related disorders. Identifiers: MedGen CN239331.
Malignant hyperthermia, susceptibility to, 1 (MHS1). Also called: RYR1-Related Malignant Hyperthermia Susceptibility; Anesthesia related hyperthermia; Malignant hyperpyrexia; Fulminating hyperpyrexia; Pharmacogenic myopathy; Malignant hyperthermia suceptibility 1. Identifiers: Orphanet 423, MedGen C2930980, MONDO:0007783, OMIM 145600.

Allele frequency attached by ClinVar (database versions not stated): TOPMed below 0.00001; gnomAD exomes 0.00001.
gnomAD v4.1: 7 of 1,431,940 alleles (0.00049%); highest among the groups gnomAD compares: East Asian, 0.018%; no homozygotes.

Submissions (2):

All of Us Research Program, National Institutes of Health
Classification: Likely benign for Malignant hyperthermia, susceptibility to, 1. Last evaluated: 2024-07-29. Review status: criteria provided, single submitter. Criteria: ACMG Guidelines, 2015. Collection method: clinical testing. Allele origin: germline. Inheritance: Autosomal dominant inheritance. Observed: 2 variant alleles, 2 heterozygotes.
Comment: This study involves interpretation of variants in research participants for the purpose of population health screening. Participant phenotype was not available at the time of variant classification. Additional details can be found in publication PMID: 35346344, PMCID: PMC8962531

Labcorp Genetics (formerly Invitae), Labcorp
Classification: Likely benign for RYR1-related disorder. Last evaluated: 2023-02-08. Review status: criteria provided, single submitter. Criteria: Invitae Variant Classification Sherloc (09022015). Collection method: clinical testing. Allele origin: germline.

NM_000540.3(RYR1):c.13389G>A (p.Ala4463=)

Gene: RYR1 (ryanodine receptor 1; plus strand). Cytogenetic location: 19q13.2.
Variant type: single nucleotide variant.
Coding change: c.13389G>A on transcript NM_000540.3 (MANE Select); coding-DNA position 13389, G replaced by A.
Protein change: p.Ala4463=; no amino-acid change (alanine 4463 retained).
Molecular consequence: synonymous variant.
Genome position (GRCh38, 1-based): chr19:38,565,723, G>A. VCF-style: chr19-38565723-G-A. GRCh37 (hg19) VCF-style: chr19-39056363-G-A.
Other names: c.13374G>A, p.Ala4458= (NM_001042723.2).
Identifiers: ClinVar variation 2030191 (VCV002030191.5), dbSNP rs1381095193, ClinGen allele CA507244054.